The following is an entry in ClinVar:

ClinVar aggregate classification (germline): Uncertain significance (1 of 4 stars; one submission).

Conditions:
Cryopyrin associated periodic syndrome (CAPS). Identifiers: Orphanet 208650, MedGen C2316212, MONDO:0016168.

gnomAD v4.1: 3 of 1,614,244 alleles (0.00019%); highest among the groups gnomAD compares: South Asian, 0.0033%; no homozygotes.

Submission:

Labcorp Genetics (formerly Invitae), Labcorp
Classification: Uncertain significance for Cryopyrin associated periodic syndrome. Last evaluated: 2024-07-30. Review status: criteria provided, single submitter. Criteria: Invitae Variant Classification Sherloc (09022015). Collection method: clinical testing. Allele origin: germline.
Comment: This sequence change replaces alanine, which is neutral and non-polar, with valine, which is neutral and non-polar, at codon 390 of the NLRP3 protein (p.Ala390Val). This variant is present in population databases (no rsID available, gnomAD 0.003%). This variant has not been reported in the literature in individuals affected with NLRP3-related conditions. Advanced modeling of protein sequence and biophysical properties (such as structural, functional, and spatial information, amino acid conservation, physicochemical variation, residue mobility, and thermodynamic stability) performed at Invitae indicates that this missense variant is not expected to disrupt NLRP3 protein function with a negative predictive value of 95%. In summary, the available evidence is currently insufficient to determine the role of this variant in disease. Therefore, it has been classified as a Variant of Uncertain Significance.

NM_001243133.2(NLRP3):c.1163C>T (p.Ala388Val)

Gene: NLRP3 (NLR family pyrin domain containing 3; plus strand). Cytogenetic location: 1q44.
Variant type: single nucleotide variant.
Coding change: c.1163C>T on transcript NM_001243133.2 (MANE Select); coding-DNA position 1163, C replaced by T.
Protein change: p.Ala388Val; replaces alanine 388 with valine.
Molecular consequence: missense variant.
Genome position (GRCh38, 1-based): chr1:247,424,612, C>T. VCF-style: chr1-247424612-C-T. GRCh37 (hg19) VCF-style: chr1-247587914-C-T.
Other names: c.1163C>T, p.Ala388Val (NM_001079821.3, NM_001127461.3, NM_001127462.3 and 1 more transcripts); c.1169C>T, p.Ala390Val (NM_004895.5); short protein forms A388V, A390V.
Identifiers: ClinVar variation 3717012 (VCV003717012.2).